The following is an entry in ClinVar:

ClinVar aggregate classification (germline): Likely benign. Review status: criteria provided, multiple submitters, no conflicts (2 of 4 stars). 2 submissions from 2 submitters: Likely benign (2). Last evaluated 2025-04-21.

Conditions:
ALMS1-related disorder. Also called: ALMS1-related condition.
Alstrom syndrome (ALMS). Identifiers: Orphanet 64, MedGen C0268425, MONDO:0008763, OMIM 203800.

Allele frequency attached by ClinVar (database versions not stated): gnomAD exomes below 0.00001.
gnomAD v4.1: 1 of 1,612,938 alleles (0.000062%); highest among the groups gnomAD compares: Non-Finnish European, 0.000085%; no homozygotes.

Submissions (2):

Labcorp Genetics (formerly Invitae), Labcorp
Classification: Likely benign for Alstrom syndrome. Last evaluated: 2025-04-21. Review status: criteria provided, single submitter. Criteria: Invitae Variant Classification Sherloc (09022015). Collection method: clinical testing. Allele origin: germline.

PreventionGenetics, part of Exact Sciences
Classification: Likely benign for ALMS1-related condition. Last evaluated: 2025-04-07. Review status: criteria provided, single submitter. Criteria: ACMG Guidelines, 2015. Collection method: clinical testing. Allele origin: germline.
Comment: This variant is classified as likely benign based on ACMG/AMP sequence variant interpretation guidelines (Richards et al. 2015 PMID: 25741868, with internal and published modifications).

NM_001378454.1(ALMS1):c.4002C>T (p.Tyr1334=)

Gene: ALMS1 (ALMS1 centrosome and basal body associated protein; plus strand). Cytogenetic location: 2p13.1.
Variant type: single nucleotide variant.
Coding change: c.4002C>T on transcript NM_001378454.1 (MANE Select); coding-DNA position 4002, C replaced by T.
Protein change: p.Tyr1334=; no amino-acid change (tyrosine 1334 retained).
Molecular consequence: synonymous variant.
Genome position (GRCh38, 1-based): chr2:73,450,529, C>T. VCF-style: chr2-73450529-C-T. GRCh37 (hg19) VCF-style: chr2-73677656-C-T.
Other names: c.4005C>T, p.Tyr1335= (NM_015120.4).
Identifiers: ClinVar variation 1937973 (VCV001937973.6), dbSNP rs2103780942, ClinGen allele CA427020617.
Genomic context (GRCh38, chr2:73,450,529, plus strand): 5'-AGCGGTTCCTGGACCAGCTGACCAGAAGACTGTGATACCAATTTTACCCTCTACTTTCTA[C>T]TCACACACAGAGAAGCCTGGTGTTTTCTACCAACAGGTCTTGCCACATAGTCATCCAACT-3'
Protein context (NP_001365383.1, residues 1324-1344): TVIPILPSTF[Tyr1334=]SHTEKPGVFY